The following is an entry in ClinVar:

NM_005068.3(SIM1):c.389C>T (p.Pro130Leu)

Gene: SIM1 (SIM bHLH transcription factor 1; minus strand). Cytogenetic location: 6q16.3.
Variant type: single nucleotide variant.
Coding change: c.389C>T on transcript NM_005068.3 (MANE Select); coding-DNA position 389, C replaced by T.
Protein change: p.Pro130Leu; replaces proline 130 with leucine.
Molecular consequence: missense variant.
Genome position (GRCh38, 1-based): chr6:100,449,659, G>A on the plus strand (C>T on the coding strand, the complement: SIM1 is on the minus strand). VCF-style: chr6-100449659-G-A. GRCh37 (hg19) VCF-style: chr6-100897535-G-A.
Other names: c.389C>T, p.Pro130Leu (NM_001374769.1); short protein forms P130L.
Identifiers: ClinVar variation 4990251 (VCV004990251.1).

ClinVar aggregate classification (germline): Uncertain significance (1 of 4 stars; one submission).

Conditions:
SIM1-related disorder. Also called: SIM1-related disorders; SIM1-related condition.

gnomAD v4.1: 4 of 1,614,054 alleles (0.00025%); highest among the groups gnomAD compares: Non-Finnish European, 0.00034%; no homozygotes.

Submission:

PreventionGenetics, part of Exact Sciences
Classification: Uncertain significance for SIM1-related condition. Last evaluated: 2025-05-09. Review status: criteria provided, single submitter. Criteria: ACMG Guidelines, 2015. Collection method: clinical testing. Allele origin: germline.
Comment: The SIM1 c.389C>T variant is predicted to result in the amino acid substitution p.Pro130Leu. To our knowledge, this variant has not been reported in the literature. This variant is reported in 0.0018% of alleles in individuals of European (Non-Finnish) descent in gnomAD. At this time, the clinical significance of this variant is uncertain due to the absence of conclusive functional and genetic evidence.